The following is an entry in ClinVar:

ClinVar aggregate classification (germline): Uncertain significance. Review status: criteria provided, multiple submitters, no conflicts (2 of 4 stars). 3 submissions from 3 submitters: Uncertain significance (3). Last evaluated 2025-11-05.

Conditions:
Atrial fibrillation, familial, 7 (ATFB7). Identifiers: MedGen C2677106, MONDO:0012828, OMIM 612240.
Inborn genetic diseases. Identifiers: MedGen C0950123, MeSH D030342.

Allele frequency attached by ClinVar (database versions not stated): gnomAD 0.00001; gnomAD exomes 0.00001; ExAC 0.00002.

Submissions (3):

Ambry Genetics
Classification: Uncertain significance for Inborn genetic diseases. Last evaluated: 2025-11-05. Review status: criteria provided, single submitter. Criteria: Ambry Variant Classification Scheme 2023. Collection method: clinical testing. Allele origin: germline.

Blueprint Genetics
Classification: Uncertain significance. Last evaluated: 2024-11-21. Review status: criteria provided, single submitter. Criteria: ACMG Guidelines, 2015. Collection method: clinical testing. Allele origin: germline.

Labcorp Genetics (formerly Invitae), Labcorp
Classification: Uncertain significance for Atrial fibrillation, familial, 7. Last evaluated: 2023-12-30. Review status: criteria provided, single submitter. Criteria: Invitae Variant Classification Sherloc (09022015). Collection method: clinical testing. Allele origin: germline.
Comment: This sequence change replaces arginine, which is basic and polar, with tryptophan, which is neutral and slightly polar, at codon 354 of the KCNA5 protein (p.Arg354Trp). This variant is present in population databases (rs746268474, gnomAD 0.004%). This variant has not been reported in the literature in individuals affected with KCNA5-related conditions. ClinVar contains an entry for this variant (Variation ID: 861735). Advanced modeling of protein sequence and biophysical properties (such as structural, functional, and spatial information, amino acid conservation, physicochemical variation, residue mobility, and thermodynamic stability) performed at Invitae indicates that this missense variant is expected to disrupt KCNA5 protein function with a positive predictive value of 80%. In summary, the available evidence is currently insufficient to determine the role of this variant in disease. Therefore, it has been classified as a Variant of Uncertain Significance.

NM_002234.4(KCNA5):c.1060C>T (p.Arg354Trp)

Gene: KCNA5 (potassium voltage-gated channel subfamily A member 5; plus strand). Cytogenetic location: 12p13.32.
Variant type: single nucleotide variant.
Coding change: c.1060C>T on transcript NM_002234.4 (MANE Select); coding-DNA position 1060, C replaced by T.
Protein change: p.Arg354Trp; replaces arginine 354 with tryptophan.
Molecular consequence: missense variant.
Genome position (GRCh38, 1-based): chr12:5,045,207, C>T. VCF-style: chr12-5045207-C-T. GRCh37 (hg19) VCF-style: chr12-5154373-C-T.
Other names: c.1060C>T (NM_002234.2); short protein forms R354W.
Identifiers: ClinVar variation 861735 (VCV000861735.11), dbSNP rs746268474, ClinGen allele CA6399795.